The following is an entry in ClinVar:

ClinVar aggregate classification (germline): Uncertain significance. Review status: criteria provided, multiple submitters, no conflicts (2 of 4 stars). 3 submissions from 3 submitters: Uncertain significance (3). Last evaluated 2022-07-15.

Conditions:
Very long chain acyl-CoA dehydrogenase deficiency (ACADVLD). Also called: Very Long-Chain Acyl-Coenzyme A Dehydrogenase Deficiency; VLCAD Deficiency. Identifiers: Orphanet 26793, MedGen C3887523, MONDO:0008723, OMIM 201475.

Allele frequency attached by ClinVar (database versions not stated): ExAC 0.00001.
gnomAD v4.1: 4 of 1,613,966 alleles (0.00025%); highest among the groups gnomAD compares: Admixed American, 0.0033%; no homozygotes.

Submissions (3):

Labcorp Genetics (formerly Invitae), Labcorp
Classification: Uncertain significance for Very long chain acyl-CoA dehydrogenase deficiency. Last evaluated: 2022-07-15. Review status: criteria provided, single submitter. Criteria: Invitae Variant Classification Sherloc (09022015). Collection method: clinical testing. Allele origin: germline.
Comment: This sequence change replaces leucine, which is neutral and non-polar, with valine, which is neutral and non-polar, at codon 383 of the ACADVL protein (p.Leu383Val). This variant is present in population databases (rs756194870, gnomAD 0.006%). This variant has not been reported in the literature in individuals affected with ACADVL-related conditions. ClinVar contains an entry for this variant (Variation ID: 932803). Advanced modeling of protein sequence and biophysical properties (such as structural, functional, and spatial information, amino acid conservation, physicochemical variation, residue mobility, and thermodynamic stability) performed at Invitae indicates that this missense variant is expected to disrupt ACADVL protein function. Algorithms developed to predict the effect of sequence changes on RNA splicing suggest that this variant may create or strengthen a splice site. In summary, the available evidence is currently insufficient to determine the role of this variant in disease. Therefore, it has been classified as a Variant of Uncertain Significance.

Fulgent Genetics
Classification: Uncertain significance for Very long chain acyl-CoA dehydrogenase deficiency. Last evaluated: 2021-09-18. Review status: criteria provided, single submitter. Criteria: ACMG Guidelines, 2015. Collection method: clinical testing. Allele origin: unknown.

Wong Mito Lab, Molecular and Human Genetics, Baylor College of Medicine
Classification: Uncertain significance for Very long chain acyl-CoA dehydrogenase deficiency. Last evaluated: 2019-11-01. Review status: criteria provided, single submitter. Criteria: ACMG Guidelines, 2015. Collection method: clinical testing. Allele origin: germline.
Comment: The NM_000018.3:c.1147C>G (NP_000009.1:p.Leu383Val) [GRCH38: NC_000017.11:g.7223202C>G] variant in ACADVL gene is interpretated to be Uncertain Significance based on ACMG guidelines (PMID: 25741868). This variant has been reported. This variant meets the following evidence codes reported in the ACMG guidelines: BP4

NM_000018.4(ACADVL):c.1147C>G (p.Leu383Val)

Gene: ACADVL (acyl-CoA dehydrogenase very long chain; plus strand). Cytogenetic location: 17p13.1.
Variant type: single nucleotide variant.
Coding change: c.1147C>G on transcript NM_000018.4 (MANE Select); coding-DNA position 1147, C replaced by G.
Protein change: p.Leu383Val; replaces leucine 383 with valine.
Molecular consequence: missense variant.
Genome position (GRCh38, 1-based): chr17:7,223,202, C>G. VCF-style: chr17-7223202-C-G. GRCh37 (hg19) VCF-style: chr17-7126521-C-G.
Other names: c.1081C>G, p.Leu361Val (NM_001033859.3); c.1216C>G, p.Leu406Val (NM_001270447.2); c.919C>G, p.Leu307Val (NM_001270448.2); short protein forms L406V, L383V, L307V, L361V.
Identifiers: ClinVar variation 932803 (VCV000932803.6), dbSNP rs756194870, ClinGen allele CA8337975.